The following is an entry in ClinVar:

ClinVar aggregate classification (germline): Uncertain significance (1 of 4 stars; one submission).

Submission:

GeneDx
Classification: Uncertain significance. Last evaluated: 2025-01-06. Review status: criteria provided, single submitter. Criteria: GeneDx Variant Classification Process June 2021. Collection method: clinical testing. Allele origin: germline. Affected: yes.
Comment: Not observed at significant frequency in large population cohorts (gnomAD); In-frame deletion of 1 amino acid in a non-repeat region; In silico analysis supports a deleterious effect on protein structure/function; Has not been previously published as pathogenic or benign to our knowledge

NM_001792.5(CDH2):c.2337AGA[2] (p.Glu781del)

Gene: CDH2 (cadherin 2; minus strand). Cytogenetic location: 18q12.1.
Variant type: Microsatellite.
Coding change: c.2337AGA[2] on transcript NM_001792.5 (MANE Select); two copies in a row of the 3-base unit AGA starting at c.2337; the reference has three copies in a row; one copy, 3 bases deleted.
Protein change: p.Glu781del; deletes glutamic acid 781.
Molecular consequence: inframe deletion.
Genome position (GRCh38, 1-based): chr18:27,982,948-27,982,950, TCT deleted on the plus strand (AGA on the coding strand, the reverse complement: CDH2 is on the minus strand); deleting any 3 consecutive bases within chr18:27,982,948-27,982,956 gives the same sequence; the position shown is the placement nearest the transcript's 3' end. VCF-style (leftmost placement, unchanged base first): chr18-27982947-GTCT-G. GRCh37 (hg19) VCF-style: chr18-25562911-GTCT-G.
Other names: c.2244AGA[2], p.Glu750del (NM_001308176.2); short protein forms E750del, E781del.
Identifiers: ClinVar variation 4056900 (VCV004056900.1).